The following is an entry in ClinVar:

NM_002734.5(PRKAR1A):c.217A>T (p.Thr73Ser)

Gene: PRKAR1A (protein kinase cAMP-dependent type I regulatory subunit alpha; plus strand). Cytogenetic location: 17q24.2.
Variant type: single nucleotide variant.
Coding change: c.217A>T on transcript NM_002734.5 (MANE Select); coding-DNA position 217, A replaced by T.
Protein change: p.Thr73Ser; replaces threonine 73 with serine.
Molecular consequence: missense variant.
Genome position (GRCh38, 1-based): chr17:68,522,795, A>T. VCF-style: chr17-68522795-A-T. GRCh37 (hg19) VCF-style: chr17-66518936-A-T.
Other names: c.217A>T, p.Thr73Ser (NM_001276289.2, NM_001276290.1, NM_001278433.2 and 4 more transcripts); short protein forms T73S.
Identifiers: ClinVar variation 3015285 (VCV003015285.3), dbSNP rs2085657508, ClinGen allele CA400752244.
Genomic context (GRCh38, chr17:68,522,795, plus strand): 5'-CAAACTCGTAATTTCTTTCAGGAGGAGGCAAAACAGATTCAGAATCTGCAGAAAGCAGGC[A>T]CTCGTACAGACTCAAGGGAGGATGAGATTTCTCCTCCTCCACCCAACCCAGTGGTTAAAG-3'
Protein context (NP_002725.1, residues 63-83): KQIQNLQKAG[Thr73Ser]RTDSREDEIS

ClinVar aggregate classification (germline): Uncertain significance (1 of 4 stars; one submission).

Conditions:
Carney complex, type 1 (CNC1). Also called: CARNEY MYXOMA-ENDOCRINE COMPLEX; CARNEY COMPLEX, TYPE I. Identifiers: Orphanet 1359, MedGen C2607929, MONDO:0008057, OMIM 160980.

Submission:

Labcorp Genetics (formerly Invitae), Labcorp
Classification: Uncertain significance for Carney complex, type 1. Last evaluated: 2023-01-16. Review status: criteria provided, single submitter. Criteria: Invitae Variant Classification Sherloc (09022015). Collection method: clinical testing. Allele origin: germline.
Comment: In summary, the available evidence is currently insufficient to determine the role of this variant in disease. Therefore, it has been classified as a Variant of Uncertain Significance. Algorithms developed to predict the effect of missense changes on protein structure and function output the following: SIFT: "Tolerated"; PolyPhen-2: "Benign"; Align-GVGD: "Class C0". The serine amino acid residue is found in multiple mammalian species, which suggests that this missense change does not adversely affect protein function. This variant has not been reported in the literature in individuals affected with PRKAR1A-related conditions. This variant is not present in population databases (gnomAD no frequency). This sequence change replaces threonine, which is neutral and polar, with serine, which is neutral and polar, at codon 73 of the PRKAR1A protein (p.Thr73Ser).